The following is an entry in ClinVar:

ClinVar aggregate classification (germline): Conflicting classifications of pathogenicity. Review status: criteria provided, conflicting classifications (1 of 4 stars). 6 submissions from 6 submitters: Uncertain significance (5); Benign (1). Last evaluated 2025-12-26.

Conditions:
Dilated cardiomyopathy 1AA (CMD1AA). Also called: CARDIOMYOPATHY, DILATED, 1AA, WITH OR WITHOUT LEFT VENTRICULAR NONCOMPACTION; CARDIOMYOPATHY, FAMILIAL HYPERTROPHIC, 23, WITH OR WITHOUT LEFT VENTRICULAR NONCOMPACTION; Cardiomyopathy, dilated, 1AA, with or without LVNC. Identifiers: Orphanet 154, MedGen C2677338, MONDO:0012808, OMIM 612158.
Myopathy, congenital, with structured cores and z-line abnormalities. Also called: MULTIPLE STRUCTURED CORE DISEASE; CONGENITAL MYOPATHY 8. Identifiers: MedGen C5231445, MONDO:0032852, OMIM 618654.
Myopathy, distal, 6, adult-onset, autosomal dominant. Identifiers: MedGen C5203349, MONDO:0032853, OMIM 618655.
Cardiovascular phenotype. Identifiers: MedGen CN230736.
Primary familial hypertrophic cardiomyopathy (HCM). Identifiers: Orphanet 99739, MedGen C0949658, MeSH D024741, MONDO:0024573. Inheritance: Various modes of inheritance.
Left ventricular noncompaction cardiomyopathy. Also called: left ventricular non-compaction cardiomyopathy. Identifiers: MedGen C4021133, HP:0011664.

Allele frequency attached by ClinVar (database versions not stated): ExAC 0.00001; gnomAD exomes 0.00002; TOPMed 0.00003; gnomAD 0.00005.
gnomAD v4.1: 29 of 1,614,050 alleles (0.0018%); highest among the groups gnomAD compares: African/African-American, 0.004%; no homozygotes.

Submissions (7):

Labcorp Genetics (formerly Invitae), Labcorp
Classification: Benign for Primary familial hypertrophic cardiomyopathy; Dilated cardiomyopathy 1AA. Last evaluated: 2025-12-26. Review status: criteria provided, single submitter. Criteria: Invitae Variant Classification Sherloc (09022015). Collection method: clinical testing. Allele origin: germline.

Ambry Genetics
Classification: Uncertain significance for Cardiovascular phenotype. Last evaluated: 2025-01-09. Review status: criteria provided, single submitter. Criteria: Ambry Variant Classification Scheme 2023. Collection method: clinical testing. Allele origin: germline.
Comment: The p.R93Q variant (also known as c.278G>A), located in coding exon 3 of the ACTN2 gene, results from a G to A substitution at nucleotide position 278. The arginine at codon 93 is replaced by glutamine, an amino acid with highly similar properties. This variant was reported in individual(s) with features consistent with hypertrophic cardiomyopathy, dilated cardiomyopathy, and left ventricular non-compaction cardiomyopathy; however, in some cases additional variants in cardiomyopathy-related genes were also detected (Al-Wakeel-Marquard N et al. J Am Heart Assoc. 2019 Aug;8(15):e012531; Bonaventura J et al. Arch Med Sci, 2019 May;15:641-649; K&uuml;hnisch J et al. Clin. Genet., 2019 Dec;96:549-559; Martin S et al. BMC Cardiovasc Disord. 2024 Jul;24(1):390; Ambry internal data). This amino acid position is highly conserved in available vertebrate species. In addition, this alteration is predicted to be deleterious by in silico analysis. Based on the available evidence, the clinical significance of this variant remains unclear.

Blueprint Genetics
Classification: Uncertain significance. Last evaluated: 2024-06-04. Review status: criteria provided, single submitter. Criteria: ACMG Guidelines, 2015. Collection method: clinical testing. Allele origin: germline.

GeneDx
Classification: Uncertain significance. Last evaluated: 2024-05-16. Review status: criteria provided, single submitter. Criteria: GeneDx Variant Classification Process June 2021. Collection method: clinical testing. Allele origin: germline. Affected: yes.
Comment: In silico analysis supports that this missense variant has a deleterious effect on protein structure/function; This variant is associated with the following publications: (PMID: 31333075, 31737537, 31110529, 31568572)

Fulgent Genetics
Classification: Uncertain significance for Dilated cardiomyopathy 1AA; Myopathy, congenital, with structured cores and z-line abnormalities; Myopathy, distal, 6, adult-onset, autosomal dominant. Last evaluated: 2021-11-09. Review status: criteria provided, single submitter. Criteria: ACMG Guidelines, 2015. Collection method: clinical testing. Allele origin: unknown.

Klaassen Lab, Charite University Medicine Berlin
Classification: Uncertain significance for Left ventricular noncompaction cardiomyopathy. Last evaluated: 2019-07-03. Review status: criteria provided, single submitter. Criteria: ACMG Guidelines, 2015. Collection method: research. Allele origin: germline. Affected: yes.

Avery Lab, Oakland University
No classification provided (evidence only). Condition: Dilated cardiomyopathy 1AA; Hypertrophic cardiomyopathy 1. Review status: no classification provided. Collection method: in vitro. Allele origin: not applicable. Functional consequence: functionally normal. Not counted in ClinVar's aggregate classification.

Literature cited by the submitters: PubMed 31110529 (cited by Ambry Genetics); PubMed 31333075 (cited by Ambry Genetics and Klaassen Lab, Charite University Medicine Berlin); PubMed 31568572 (cited by Ambry Genetics and Klaassen Lab, Charite University Medicine Berlin); PubMed 39068400 (cited by Ambry Genetics).

NM_001103.4(ACTN2):c.278G>A (p.Arg93Gln)

Gene: ACTN2 (actinin alpha 2; plus strand). Cytogenetic location: 1q43.
Variant type: single nucleotide variant.
Coding change: c.278G>A on transcript NM_001103.4 (MANE Select); coding-DNA position 278, G replaced by A.
Protein change: p.Arg93Gln; replaces arginine 93 with glutamine.
Molecular consequence: missense variant. On other transcripts: 5 prime UTR variant (1).
Genome position (GRCh38, 1-based): chr1:236,718,930, G>A. VCF-style: chr1-236718930-G-A. GRCh37 (hg19) VCF-style: chr1-236882230-G-A.
Other names: p.R93Q:CGG>CAG; c.278G>A, p.Arg93Gln (NM_001278343.2); c.-544G>A (NM_001278344.2); short protein forms R93Q.
Identifiers: ClinVar variation 201627 (VCV000201627.20), dbSNP rs777124854, ClinGen allele CA335005.